The following is an entry in ClinVar:

NM_007294.4(BRCA1):c.4185+2T>G

Gene: BRCA1 (BRCA1 DNA repair associated; minus strand). Cytogenetic location: 17q21.31.
Variant type: single nucleotide variant.
Coding change: c.4185+2T>G on transcript NM_007294.4 (MANE Select); the canonical splice donor site of the intron after coding-DNA position 4185, T replaced by G.
Molecular consequence: splice donor variant.
Genome position (GRCh38, 1-based): chr17:43,090,942, A>C on the plus strand (T>G on the coding strand, the complement: BRCA1 is on the minus strand). VCF-style: chr17-43090942-A-C. GRCh37 (hg19) VCF-style: chr17-41242959-A-C.
Other names: c.4185+2T>G (NM_007294.3, NM_001407618.1, NM_001407603.1 and 31 more transcripts); c.735+2T>G (NM_001408458.1, NM_001408469.1, NM_001408453.1 and 11 more transcripts); c.3297+2T>G (NM_001407967.1, NM_001407966.1); c.3804+2T>G (NM_001407959.1, NM_001407963.1, NM_001407960.1); c.3918+2T>G (NM_001407931.1, NM_001407932.1, NM_001407934.1 and 2 more transcripts); c.4041+2T>G (NM_001407747.1, NM_001407848.1, NM_001407839.1 and 20 more transcripts); c.3801+2T>G (NM_001407962.1); c.372+2T>G (NM_001408512.1); and 41 more.
Identifiers: ClinVar variation 2152286 (VCV002152286.5), dbSNP rs431825406, ClinGen allele CA10593352.

ClinVar aggregate classification (germline): Pathogenic/Likely pathogenic. Review status: criteria provided, multiple submitters, no conflicts (2 of 4 stars). 2 submissions from 2 submitters: Pathogenic (1); Likely pathogenic (1). Last evaluated 2025-08-06.

Conditions:
Hereditary cancer-predisposing syndrome. Also called: Neoplastic Syndromes, Hereditary; Hereditary Cancer Syndrome; Tumor predisposition; Hereditary neoplastic syndrome. Identifiers: Orphanet 140162, MedGen C0027672, MeSH D009386, MONDO:0015356.
Hereditary breast ovarian cancer syndrome. Also called: Hereditary breast and ovarian cancer syndrome; Hereditary breast and ovarian cancer; Hereditary breast and ovarian cancer syndrome (HBOC); Breast and ovarian cancer; BRCA1- and BRCA2-Associated Hereditary Breast and Ovarian Cancer; Hereditary breast and/or ovarian cancer syndrome. Identifiers: Orphanet 145, MedGen C0677776, MeSH D061325, MONDO:0003582. Disease mechanism: loss of function.

Submissions (2):

Labcorp Genetics (formerly Invitae), Labcorp
Classification: Pathogenic for Hereditary breast ovarian cancer syndrome. Last evaluated: 2025-08-06. Review status: criteria provided, single submitter. Criteria: Invitae Variant Classification Sherloc (09022015). Collection method: clinical testing. Allele origin: germline.
Comment: This sequence change affects a donor splice site in intron 11 of the BRCA1 gene. It is expected to disrupt RNA splicing. Variants that disrupt the donor or acceptor splice site typically lead to a loss of protein function (PMID: 16199547), and loss-of-function variants in BRCA1 are known to be pathogenic (PMID: 20104584). This variant is not present in population databases (gnomAD no frequency). Disruption of this splice site has been observed in individual(s) with ovarian cancer (PMID: 30078507). ClinVar contains an entry for this variant (Variation ID: 2152286). Studies have shown that disruption of this splice site alters mRNA splicing and is expected to lead to the loss of protein expression (PMID: 24667779). For these reasons, this variant has been classified as Pathogenic.

Ambry Genetics
Classification: Likely pathogenic for Hereditary cancer-predisposing syndrome. Last evaluated: 2025-04-22. Review status: criteria provided, single submitter. Criteria: Ambry Variant Classification Scheme 2023. Collection method: clinical testing. Allele origin: germline.
Comment: The c.4185+2T>G intronic variant results from a T to G substitution two nucleotides after coding exon 10 in the BRCA1 gene. This variant is considered to be rare based on population cohorts in the Genome Aggregation Database (gnomAD). This nucleotide position is highly conserved in available vertebrate species. In silico splice site analysis predicts that this alteration will weaken the native splice donor site; however, direct evidence is insufficient at this time (Ambry internal data). Alterations that disrupt the canonical splice site are expected to cause aberrant splicing, resulting in an abnormal protein or a transcript that is subject to nonsense-mediated mRNA decay. As such, this alteration is classified as likely pathogenic.

Literature cited by the submitters: PubMed 16199547 (cited by Labcorp Genetics (formerly Invitae), Labcorp); PubMed 20104584 (cited by Labcorp Genetics (formerly Invitae), Labcorp); PubMed 30078507 (cited by Labcorp Genetics (formerly Invitae), Labcorp and Ambry Genetics); PubMed 24667779 (cited by Labcorp Genetics (formerly Invitae), Labcorp).